The following is an entry in ClinVar:

ClinVar aggregate classification (germline): Uncertain significance (1 of 4 stars; one submission).

Submission:

Labcorp Genetics (formerly Invitae), Labcorp
Classification: Uncertain significance. Last evaluated: 2024-08-27. Review status: criteria provided, single submitter. Criteria: Invitae Variant Classification Sherloc (09022015). Collection method: clinical testing. Allele origin: germline.
Comment: This sequence change replaces isoleucine, which is neutral and non-polar, with phenylalanine, which is neutral and non-polar, at codon 483 of the MSH3 protein (p.Ile483Phe). This variant is not present in population databases (gnomAD no frequency). This variant has not been reported in the literature in individuals affected with MSH3-related conditions. An algorithm developed to predict the effect of missense changes on protein structure and function outputs the following: PolyPhen-2: "Benign". The phenylalanine amino acid residue is found in multiple mammalian species, which suggests that this missense change does not adversely affect protein function. In summary, the available evidence is currently insufficient to determine the role of this variant in disease. Therefore, it has been classified as a Variant of Uncertain Significance.

NM_002439.5(MSH3):c.1447A>T (p.Ile483Phe)

Gene: MSH3 (mutS homolog 3; plus strand). Cytogenetic location: 5q14.1.
Variant type: single nucleotide variant.
Coding change: c.1447A>T on transcript NM_002439.5 (MANE Select); coding-DNA position 1447, A replaced by T.
Protein change: p.Ile483Phe; replaces isoleucine 483 with phenylalanine.
Molecular consequence: missense variant.
Genome position (GRCh38, 1-based): chr5:80,725,559, A>T. VCF-style: chr5-80725559-A-T. GRCh37 (hg19) VCF-style: chr5-80021378-A-T.
Other names: short protein forms I483F.
Identifiers: ClinVar variation 3663518 (VCV003663518.2).